The following is an entry in ClinVar:

NM_001943.5(DSG2):c.1762C>G (p.Leu588Val)

Gene: DSG2 (desmoglein 2; plus strand). Cytogenetic location: 18q12.1.
Variant type: single nucleotide variant.
Coding change: c.1762C>G on transcript NM_001943.5 (MANE Select); coding-DNA position 1762, C replaced by G.
Protein change: p.Leu588Val; replaces leucine 588 with valine.
Molecular consequence: missense variant.
Genome position (GRCh38, 1-based): chr18:31,538,861, C>G. VCF-style: chr18-31538861-C-G. GRCh37 (hg19) VCF-style: chr18-29118824-C-G.
Other names: short protein forms L588V.
Identifiers: ClinVar variation 1507928 (VCV001507928.11), dbSNP rs1278145047, ClinGen allele CA402137517.
Genomic context (GRCh38, chr18:31,538,861, plus strand): 5'-ATTCAGTTCCTGATTTCAGACAATCAGGGTTTTAGTTGTCCTGAAAAGCAGGTCCTTACA[C>G]TCACAGTTTGTGAGTGTCTGCATGGCAGCGGCTGCAGGGAAGCACAGCATGACTCCTATG-3'
Protein context (NP_001934.2, residues 578-598): FSCPEKQVLT[Leu588Val]TVCECLHGSG

ClinVar aggregate classification (germline): Uncertain significance. Review status: criteria provided, multiple submitters, no conflicts (2 of 4 stars). 3 submissions from 3 submitters: Uncertain significance (3). Last evaluated 2024-03-07.

Conditions:
Arrhythmogenic right ventricular cardiomyopathy (ARVD). Also called: Cardiomyopathy, ARVC; Arrhythmogenic right ventricular dysplasia; Arrhythmogenic cardiomyopathy; Arrhythmogenic Right Ventricular Cardiomyopathy (ARVC). Identifiers: Orphanet 247, MedGen C0349788, MeSH D019571, MONDO:0016587. Disease mechanism: loss of function. Inheritance: Various modes of inheritance.
Cardiomyopathy (CMYO). Also called: Cardiomyopathies. Identifiers: Orphanet 167848, MedGen C0878544, MONDO:0004994, HP:0001638. Inheritance: Various modes of inheritance.
Arrhythmogenic right ventricular dysplasia 10. Also called: Arrhythmogenic right ventricular dysplasia/cardiomyopathy, type 10; Arrhythmogenic Right Ventricular Dysplasia/Cardiomyopathy10; ARRHYTHMOGENIC RIGHT VENTRICULAR DYSPLASIA, FAMILIAL, 10. Identifiers: MedGen C1857777, MONDO:0012434, OMIM 610193.

gnomAD v4.1: 4 of 1,614,192 alleles (0.00025%); highest among the groups gnomAD compares: Non-Finnish European, 0.00034%; no homozygotes.

Submissions (3):

Color Diagnostics, LLC DBA Color Health
Classification: Uncertain significance for Cardiomyopathy. Last evaluated: 2024-03-07. Review status: criteria provided, single submitter. Criteria: ACMG Guidelines, 2015. Collection method: clinical testing. Allele origin: germline.
Comment: This missense variant replaces leucine with valine at codon 588 of the DSG2 protein. Computational prediction suggests that this variant may not impact protein structure and function (internally defined REVEL score threshold <= 0.5, PMID: 27666373). To our knowledge, functional studies have not been reported for this variant. This variant has not been reported in individuals affected with cardiovascular disorders in the literature. This variant has been identified in 1/249162 chromosomes in the general population by the Genome Aggregation Database (gnomAD). The available evidence is insufficient to determine the role of this variant in disease conclusively. Therefore, this variant is classified as a Variant of Uncertain Significance.

All of Us Research Program, National Institutes of Health
Classification: Uncertain significance for Arrhythmogenic right ventricular cardiomyopathy. Last evaluated: 2022-10-25. Review status: criteria provided, single submitter. Criteria: ACMG Guidelines, 2015. Collection method: clinical testing. Allele origin: germline. Inheritance: Autosomal dominant inheritance. Observed: 1 variant allele, 1 heterozygote.
Comment: This missense variant replaces leucine with valine at codon 588 of the DSG2 protein. Computational prediction suggests that this variant may not impact protein structure and function (internally defined REVEL score threshold <= 0.5, PMID: 27666373). To our knowledge, functional studies have not been reported for this variant. This variant has not been reported in individuals affected with cardiovascular disorders in the literature. This variant has been identified in 1/249162 chromosomes in the general population by the Genome Aggregation Database (gnomAD). The available evidence is insufficient to determine the role of this variant in disease conclusively. Therefore, this variant is classified as a Variant of Uncertain Significance.

This study involves interpretation of variants in research participants for the purpose of population health screening. Participant phenotype was not available at the time of variant classification. Additional details can be found in publication PMID: 35346344, PMCID: PMC8962531

Labcorp Genetics (formerly Invitae), Labcorp
Classification: Uncertain significance for Arrhythmogenic right ventricular dysplasia 10. Last evaluated: 2021-08-05. Review status: criteria provided, single submitter. Criteria: Invitae Variant Classification Sherloc (09022015). Collection method: clinical testing. Allele origin: germline.
Comment: This sequence change replaces leucine with valine at codon 588 of the DSG2 protein (p.Leu588Val). The leucine residue is highly conserved and there is a small physicochemical difference between leucine and valine. This variant is not present in population databases (ExAC no frequency). This variant has not been reported in the literature in individuals with DSG2-related conditions. Algorithms developed to predict the effect of missense changes on protein structure and function (SIFT, PolyPhen-2, Align-GVGD) all suggest that this variant is likely to be disruptive, but these predictions have not been confirmed by published functional studies and their clinical significance is uncertain. In summary, the available evidence is currently insufficient to determine the role of this variant in disease. Therefore, it has been classified as a Variant of Uncertain Significance.